The following is an entry in ClinVar:

NM_000282.4(PCCA):c.1209+2T>G

Gene: PCCA (propionyl-CoA carboxylase subunit alpha; plus strand). Cytogenetic location: 13q32.3.
Variant type: single nucleotide variant.
Coding change: c.1209+2T>G on transcript NM_000282.4 (MANE Select); the canonical splice donor site of the intron after coding-DNA position 1209, T replaced by G.
Molecular consequence: splice donor variant. On other transcripts: intron variant (3).
Genome position (GRCh38, 1-based): chr13:100,301,605, T>G. VCF-style: chr13-100301605-T-G. GRCh37 (hg19) VCF-style: chr13-100953859-T-G.
Other names: c.1209+2T>G (NM_000282.3, NM_001178004.2, NM_001352605.2 and 1 more transcripts); c.1066-1319T>G (NM_001352606.2); c.264+2T>G (NM_001352610.2, NM_001352611.2); c.121-1319T>G (NM_001352612.2); c.1131+2T>G (NM_001127692.3, NM_001352607.2); c.988-1319T>G (NM_001352608.2).
Identifiers: ClinVar variation 2060765 (VCV002060765.5), dbSNP rs1595204045, ClinGen allele CA388695406.
Genomic context (GRCh38, chr13:100,301,605, plus strand): 5'-ACAAACAAGCTGATATTCGCATCAACGGCTGGGCAGTTGAATGTCGGGTTTATGCTGAGG[T>G]AAAATGAATGGTGTTGGGAGGAAGGATGGTGGTTATGTCCAGAGTCATGAGACCTGGTAT-3'

ClinVar aggregate classification (germline): Likely pathogenic. Review status: criteria provided, multiple submitters, no conflicts (2 of 4 stars). 2 submissions from 2 submitters: Likely pathogenic (2). Last evaluated 2025-02-17.

Conditions:
Propionic acidemia (PROP). Also called: GLYCINEMIA, KETOTIC; HYPERGLYCINEMIA WITH KETOACIDOSIS AND LEUKOPENIA; KETOTIC HYPERGLYCINEMIA. Identifiers: Orphanet 35, MedGen C0268579, MONDO:0011628, OMIM 606054, HP:0003571.

Submissions (2):

Natera, Inc.
Classification: Likely pathogenic for Propionic acidemia. Last evaluated: 2025-02-17. Review status: criteria provided, single submitter. Criteria: Natera Variant Classification Schema (03/2026). Collection method: clinical testing. Allele origin: germline.
Comment: The c.1209+2T>G variant in PCCA is a canonical splice donor site variant predicted to affect pre-mRNA splicing, which may result in an abnormal transcript and altered protein product. This variant is expected to result in nonsense mediated decay, truncation, or a dysfunctional protein product. This variant is rare in the general population with a frequency below the threshold expected for the associated phenotype(s). Given the available evidence, this variant is classified as Likely Pathogenic.

Labcorp Genetics (formerly Invitae), Labcorp
Classification: Likely pathogenic for Propionic acidemia. Last evaluated: 2021-12-25. Review status: criteria provided, single submitter. Criteria: Invitae Variant Classification Sherloc (09022015). Collection method: clinical testing. Allele origin: germline.
Comment: This sequence change affects a donor splice site in intron 13 of the PCCA gene. It is expected to disrupt RNA splicing. Variants that disrupt the donor or acceptor splice site typically lead to a loss of protein function (PMID: 16199547), and loss-of-function variants in PCCA are known to be pathogenic (PMID: 15464417). This variant is not present in population databases (gnomAD no frequency). This variant has not been reported in the literature in individuals affected with PCCA-related conditions. Algorithms developed to predict the effect of sequence changes on RNA splicing suggest that this variant may disrupt the consensus splice site. In summary, the currently available evidence indicates that the variant is pathogenic, but additional data are needed to prove that conclusively. Therefore, this variant has been classified as Likely Pathogenic.

Literature cited by the submitters: PubMed 16199547 (cited by Labcorp Genetics (formerly Invitae), Labcorp); PubMed 15464417 (cited by Labcorp Genetics (formerly Invitae), Labcorp).